The following is an entry in ClinVar:

NM_000211.5(ITGB2):c.906A>G (p.Pro302=)

Gene: ITGB2 (integrin subunit beta 2; minus strand). Cytogenetic location: 21q22.3.
Variant type: single nucleotide variant.
Coding change: c.906A>G on transcript NM_000211.5 (MANE Select); coding-DNA position 906, A replaced by G.
Protein change: p.Pro302=; no amino-acid change (proline 302 retained).
Molecular consequence: synonymous variant.
Genome position (GRCh38, 1-based): chr21:44,899,154, T>C on the plus strand (A>G on the coding strand, the complement: ITGB2 is on the minus strand). VCF-style: chr21-44899154-T-C. GRCh37 (hg19) VCF-style: chr21-46319069-T-C.
Other names: p.Pro302=; c.906A>G (LRG_76t1); c.906A>G, p.Pro302= (NM_001127491.3); c.699A>G, p.Pro233= (NM_001303238.2).
Identifiers: ClinVar variation 340161 (VCV000340161.17), dbSNP rs35370671, ClinGen allele CA10063006.

ClinVar aggregate classification (germline): Benign. Review status: criteria provided, multiple submitters, no conflicts (2 of 4 stars). 5 submissions from 5 submitters: Benign (5). Last evaluated 2026-02-02.

Conditions:
Leukocyte adhesion deficiency 1 (LAD1). Also called: LEUKOCYTE ADHESION DEFICIENCY, TYPE I; LAD 1; Lymphocyte function-associated antigen 1 immunodeficiency; LFA 1 immunodeficiency. Identifiers: Orphanet 2968, Orphanet 99842, MedGen C0398738, MONDO:0007293, OMIM 116920.

Allele frequency attached by ClinVar (database versions not stated): ESP Exome Variant Server 0.00062; gnomAD exomes 0.00426 and 0.01858; gnomAD 0.00731 and 0.00752; 1000 Genomes Project 0.01098; 1000 Genomes Project 30x 0.01171; TOPMed 0.01334; ExAC 0.01460.
gnomAD v4.1: 7,330 of 1,613,516 alleles (0.45%); highest among the groups gnomAD compares: Admixed American, 10%; 461 homozygotes.

Submissions (5):

Labcorp Genetics (formerly Invitae), Labcorp
Classification: Benign for Leukocyte adhesion deficiency 1. Last evaluated: 2026-02-02. Review status: criteria provided, single submitter. Criteria: Invitae Variant Classification Sherloc (09022015). Collection method: clinical testing. Allele origin: germline.

Women's Health and Genetics/Laboratory Corporation of America, LabCorp
Classification: Benign. Last evaluated: 2026-01-22. Review status: criteria provided, single submitter. Criteria: LabCorp Variant Classification Summary - May 2015. Collection method: clinical testing. Allele origin: germline.

Mayo Clinic Laboratories, Mayo Clinic
Classification: Benign. Last evaluated: 2020-06-23. Review status: criteria provided, single submitter. Criteria: ACMG Guidelines, 2015. Collection method: clinical testing. Allele origin: germline. Observed: 14 variant alleles.

Illumina Laboratory Services, Illumina
Classification: Benign for Leukocyte adhesion deficiency 1. Last evaluated: 2018-01-13. Review status: criteria provided, single submitter. Criteria: ICSL Variant Classification Criteria 13 December 2019. Collection method: clinical testing. Allele origin: germline.
Comment: This variant was observed in the ICSL laboratory as part of a predisposition screen in an ostensibly healthy population. It had not been previously curated by ICSL or reported in the Human Gene Mutation Database (HGMD: prior to June 1st, 2018), and was therefore a candidate for classification through an automated scoring system. Utilizing variant allele frequency, disease prevalence and penetrance estimates, and inheritance mode, an automated score was calculated to assess if this variant is too frequent to cause the disease. Based on the score and internal cut-off values, a variant classified as benign is not then subjected to further curation. The score for this variant resulted in a classification of benign for this disease.

Breakthrough Genomics
Classification: Benign. Review status: criteria provided, single submitter. Criteria: ACMG Guidelines, 2015. Collection method: not provided. Allele origin: germline. Inheritance: Autosomal recessive inheritance. Affected: yes.